The following is an entry in ClinVar:

NC_000017.10:g.(?_29592237)_(29701173_?)del

Genes: EVI2A (ecotropic viral integration site 2A; minus strand), EVI2B (ecotropic viral integration site 2B; minus strand), NF1 (neurofibromin 1; plus strand), OMG (oligodendrocyte myelin glycoprotein; minus strand). Cytogenetic location: 17q11.2.
Variant type: Deletion.
Identifiers: ClinVar variation 2422724 (VCV002422724.4).

ClinVar aggregate classification (germline): Pathogenic (1 of 4 stars; one submission).

Conditions:
Neurofibromatosis, type 1 (NF1). Also called: Peripheral type neurofibromatosis; VON RECKLINGHAUSEN DISEASE; NEUROFIBROMATOSIS, TYPE I, SOMATIC; Neurofibromatosis, type I. Identifiers: Orphanet 636, MedGen C0027831, MONDO:0018975, OMIM 162200. Disease mechanism: loss of function.

Submission:

Labcorp Genetics (formerly Invitae), Labcorp
Classification: Pathogenic for Neurofibromatosis, type 1. Last evaluated: 2022-10-07. Review status: criteria provided, single submitter. Criteria: Invitae Variant Classification Sherloc (09022015). Collection method: clinical testing. Allele origin: germline.
Comment: This variant is a gross deletion of the genomic region encompassing exon(s) 35-57 of the NF1 gene, which includes the termination codon. This deletion extends beyond the assayed region for this gene and therefore may encompass additional genes. While this deletion is not anticipated to lead to nonsense mediated decay, it is expected to alter mRNA translation or result in a truncated protein product. For these reasons, this variant has been classified as Pathogenic. This variant disrupts a region of the NF1 protein in which other variant(s) (p.Ala2716Asp) have been determined to be pathogenic (Invitae). This suggests that this is a clinically significant region of the protein, and that variants that disrupt it are likely to be disease-causing. This variant has not been reported in the literature in individuals affected with NF1-related conditions.